The following is an entry in ClinVar:

ClinVar aggregate classification (germline): Uncertain significance (1 of 4 stars; one submission).

gnomAD v4.1: 5 of 1,609,954 alleles (0.00031%); highest among the groups gnomAD compares: Non-Finnish European, 0.00042%; no homozygotes.

Submission:

Labcorp Genetics (formerly Invitae), Labcorp
Classification: Uncertain significance. Last evaluated: 2025-10-21. Review status: criteria provided, single submitter. Criteria: Invitae Variant Classification Sherloc (09022015). Collection method: clinical testing. Allele origin: germline.
Comment: This sequence change affects a donor splice site in intron 13 of the ITGAM gene. It is expected to disrupt RNA splicing. Variants that disrupt the donor or acceptor splice site typically lead to a loss of protein function (PMID: 16199547), however the current clinical and genetic evidence is not sufficient to establish whether loss-of-function variants in ITGAM cause disease. This variant is present in population databases (rs768656943, gnomAD 0.003%). This variant has not been reported in the literature in individuals affected with ITGAM-related conditions. Algorithms developed to predict the effect of sequence changes on RNA splicing suggest that this variant may disrupt the consensus splice site. In summary, the available evidence is currently insufficient to determine the role of this variant in disease. Therefore, it has been classified as a Variant of Uncertain Significance.

Literature cited by the submitters: PubMed 16199547.

NM_000632.4(ITGAM):c.1497+2T>G

Gene: ITGAM (integrin subunit alpha M; plus strand). Cytogenetic location: 16p11.2.
Variant type: single nucleotide variant.
Coding change: c.1497+2T>G on transcript NM_000632.4 (MANE Select); the canonical splice donor site of the intron after coding-DNA position 1497, T replaced by G.
Molecular consequence: splice donor variant.
Genome position (GRCh38, 1-based): chr16:31,297,656, T>G. VCF-style: chr16-31297656-T-G. GRCh37 (hg19) VCF-style: chr16-31308977-T-G.
Other names: c.1497+2T>G (NM_001145808.2).
Identifiers: ClinVar variation 4693537 (VCV004693537.1).
Genomic context (GRCh38, chr16:31,297,656, plus strand): 5'-CCCATTACTACGAGCAGACCCGAGGGGGCCAGGTGTCCGTGTGCCCCTTGCCCAGGGGGG[T>G]GAGTGGCAATGGGACCTGGGCTGGGTGGGGCCCGGTGTGGGTGGAGGGGTCGCCTGGGTT-3'